The following is an entry in ClinVar:

NM_000274.4(OAT):c.1255G>C (p.Val419Leu)

Gene: OAT (ornithine aminotransferase; minus strand). Cytogenetic location: 10q26.13.
Variant type: single nucleotide variant.
Coding change: c.1255G>C on transcript NM_000274.4 (MANE Select); coding-DNA position 1255, G replaced by C.
Protein change: p.Val419Leu; replaces valine 419 with leucine.
Molecular consequence: missense variant.
Genome position (GRCh38, 1-based): chr10:124,398,007, C>G on the plus strand (G>C on the coding strand, the complement: OAT is on the minus strand). VCF-style: chr10-124398007-C-G. GRCh37 (hg19) VCF-style: chr10-126086576-C-G.
Other names: c.1255G>C (NM_000274.3); c.841G>C, p.Val281Leu (NM_001171814.2); c.1255G>C, p.Val419Leu (NM_001322965.2, NM_001322966.2, NM_001322967.2 and 3 more transcripts); c.934G>C, p.Val312Leu (NM_001322971.2); c.655G>C, p.Val219Leu (NM_001322974.2); short protein forms V219L, V281L, V312L, V419L.
Identifiers: ClinVar variation 991854 (VCV000991854.5), dbSNP rs760922693, ClinGen allele CA5733281.

ClinVar aggregate classification (germline): Uncertain significance. Review status: criteria provided, multiple submitters, no conflicts (2 of 4 stars). 5 submissions from 5 submitters: Uncertain significance (4). 1 of the submissions does not count toward it. Last evaluated 2026-03-30.

Conditions:
Ornithine aminotransferase deficiency (GACR). Also called: Ornithine ketoacid aminotransferase deficiency; Gyrate atrophy; Gyrate atrophy of choroid and retina; Girate atrophy of the retina; HYPERORNITHINEMIA WITH GYRATE ATROPHY OF CHOROID AND RETINA; OAT DEFICIENCY. Identifiers: Orphanet 414, MedGen C0018425, MONDO:0009796, OMIM 258870.
OAT-related disorder. Also called: OAT-related condition.
Inborn genetic diseases. Identifiers: MedGen C0950123, MeSH D030342.

Allele frequency attached by ClinVar (database versions not stated): gnomAD 0.00002; TOPMed 0.00002; ExAC 0.00007; gnomAD exomes 0.00012.

Submissions (5):

PreventionGenetics, part of Exact Sciences
Classification: Uncertain significance for OAT-related condition. Last evaluated: 2026-03-30. Review status: criteria provided, single submitter. Criteria: ACMG Guidelines, 2015. Collection method: clinical testing. Allele origin: germline.
Comment: The OAT c.1255G>C variant is predicted to result in the amino acid substitution p.Val419Leu. To our knowledge, this variant has not been reported in the literature. This variant is reported in 0.082% of alleles in individuals of Latino descent in gnomAD, which may be too frequent to be a primary cause of disease. Although we suspect that this variant may be benign, at this time, the clinical significance of this variant is uncertain due to the absence of conclusive functional and genetic evidence.

Blueprint Genetics
Classification: Uncertain significance. Last evaluated: 2022-10-31. Review status: criteria provided, single submitter. Criteria: ACMG Guidelines, 2015. Collection method: clinical testing. Allele origin: germline.

Labcorp Genetics (formerly Invitae), Labcorp
Classification: Uncertain significance for Ornithine aminotransferase deficiency. Last evaluated: 2022-08-01. Review status: criteria provided, single submitter. Criteria: Invitae Variant Classification Sherloc (09022015). Collection method: clinical testing. Allele origin: germline.
Comment: This sequence change replaces valine, which is neutral and non-polar, with leucine, which is neutral and non-polar, at codon 419 of the OAT protein (p.Val419Leu). This variant is present in population databases (rs760922693, gnomAD 0.09%). This variant has not been reported in the literature in individuals affected with OAT-related conditions. ClinVar contains an entry for this variant (Variation ID: 991854). Algorithms developed to predict the effect of missense changes on protein structure and function (SIFT, PolyPhen-2, Align-GVGD) all suggest that this variant is likely to be tolerated. In summary, the available evidence is currently insufficient to determine the role of this variant in disease. Therefore, it has been classified as a Variant of Uncertain Significance.

Ambry Genetics
Classification: Uncertain significance for Inborn genetic diseases. Last evaluated: 2021-06-22. Review status: criteria provided, single submitter. Criteria: Ambry Variant Classification Scheme 2023. Collection method: clinical testing. Allele origin: germline.

Natera, Inc.
Classification: Uncertain significance for Gyrate atrophy. Last evaluated: 2020-04-10. Review status: no assertion criteria provided. Collection method: clinical testing. Allele origin: germline. Not counted in ClinVar's aggregate classification.